The following is an entry in ClinVar:

ClinVar aggregate classification (germline): Pathogenic (1 of 4 stars; one submission).

Conditions:
Hereditary cancer-predisposing syndrome. Also called: Neoplastic Syndromes, Hereditary; Tumor predisposition; Hereditary Cancer Syndrome; Hereditary neoplastic syndrome. Identifiers: Orphanet 140162, MedGen C0027672, MeSH D009386, MONDO:0015356.

Submission:

Ambry Genetics
Classification: Pathogenic for Hereditary cancer-predisposing syndrome. Last evaluated: 2022-03-09. Review status: criteria provided, single submitter. Criteria: Ambry Variant Classification Scheme 2023. Collection method: clinical testing. Allele origin: germline.
Comment: The c.1224dupT pathogenic mutation, located in coding exon 8 of the ATM gene, results from a duplication of T at nucleotide position 1224, causing a translational frameshift with a predicted alternate stop codon (p.L409Sfs*21). This variant is considered to be rare based on population cohorts in the Genome Aggregation Database (gnomAD). This alteration is expected to result in loss of function by premature protein truncation or nonsense-mediated mRNA decay. As such, this alteration is interpreted as a disease-causing mutation.

NM_000051.4(ATM):c.1224dup (p.Leu409fs)

Gene: ATM (ATM serine/threonine kinase; plus strand). Cytogenetic location: 11q22.3.
Variant type: Duplication.
Coding change: c.1224dup on transcript NM_000051.4 (MANE Select); coding-DNA position 1224, one base duplicated (T; older notation c.1224dupT).
Protein change: p.Leu409fs; shifts the reading frame from leucine 409.
Molecular consequence: frameshift variant.
Genome position (GRCh38, 1-based): chr11:108,249,091, T duplicated. VCF-style (leftmost placement, unchanged base first): chr11-108249090-A-AT. GRCh37 (hg19) VCF-style: chr11-108119817-A-AT.
Other names: c.1224dup, p.Leu409fs (NM_001351834.2); c.1224dupT (NM_000051.3); short protein forms L409fs.
Identifiers: ClinVar variation 1753876 (VCV001753876.2), dbSNP rs2497213855, ClinGen allele CA2580083760.